The following is an entry in ClinVar:

ClinVar aggregate classification (germline): Conflicting classifications of pathogenicity. Review status: criteria provided, conflicting classifications (1 of 4 stars). 2 submissions from 2 submitters: Uncertain significance (1); Benign (1). Last evaluated 2025-10-13.

Conditions:
Kabuki syndrome. Also called: NIIKAWA-KUROKI SYNDROME; Kabuki make-up syndrome. Identifiers: Orphanet 2322, MedGen C0796004, MONDO:0016512.

Allele frequency attached by ClinVar (database versions not stated): gnomAD exomes below 0.00001; ExAC 0.00001; gnomAD 0.00002.
gnomAD v4.1: 7 of 1,553,286 alleles (0.00045%); highest among the groups gnomAD compares: East Asian, 0.0045%; no homozygotes.

Submissions (2):

Women's Health and Genetics/Laboratory Corporation of America, LabCorp
Classification: Uncertain significance. Last evaluated: 2025-10-13. Review status: criteria provided, single submitter. Criteria: LabCorp Variant Classification Summary - May 2015. Collection method: clinical testing. Allele origin: germline.
Comment: Variant summary: KMT2D c.14711G>A (p.Arg4904Gln) results in a conservative amino acid change in the encoded protein sequence. Algorithms developed to predict the effect of missense changes on protein structure and function are either unavailable or do not agree on the potential impact of this missense change. The variant allele was found at a frequency of 5.2e-06 in 191358 control chromosomes. The available data on variant occurrences in the general population are insufficient to allow any conclusion about variant significance. To our knowledge, no occurrence of c.14711G>A in individuals affected with KMT2D-related conditions and no experimental evidence demonstrating its impact on protein function have been reported. ClinVar contains an entry for this variant (Variation ID: 2956206). Based on the evidence outlined above, the variant was classified as uncertain significance.

Labcorp Genetics (formerly Invitae), Labcorp
Classification: Benign for Kabuki syndrome. Last evaluated: 2023-07-30. Review status: criteria provided, single submitter. Criteria: Invitae Variant Classification Sherloc (09022015). Collection method: clinical testing. Allele origin: germline.

NM_003482.4(KMT2D):c.14711G>A (p.Arg4904Gln)

Gene: KMT2D (lysine methyltransferase 2D; minus strand). Cytogenetic location: 12q13.12.
Variant type: single nucleotide variant.
Coding change: c.14711G>A on transcript NM_003482.4 (MANE Select); coding-DNA position 14711, G replaced by A.
Protein change: p.Arg4904Gln; replaces arginine 4904 with glutamine.
Molecular consequence: missense variant.
Genome position (GRCh38, 1-based): chr12:49,027,255, C>T on the plus strand (G>A on the coding strand, the complement: KMT2D is on the minus strand). VCF-style: chr12-49027255-C-T. GRCh37 (hg19) VCF-style: chr12-49421038-C-T.
Other names: short protein forms R4904Q.
Identifiers: ClinVar variation 2956206 (VCV002956206.4), dbSNP rs751628871, ClinGen allele CA6545677.